The following is an entry in ClinVar:

NC_012920.1(MT-ND4):m.10785T>C

Gene: MT-ND4 (mitochondrially encoded NADH dehydrogenase 4; plus strand).
Variant type: single nucleotide variant.
Genome position: chrM-10785-T-C.
Identifiers: ClinVar variation 693317 (VCV000693317.1), dbSNP rs1603222970, ClinGen allele CA414806852.

ClinVar aggregate classification (germline): Uncertain significance (1 of 4 stars; one submission).

Conditions:
Leigh syndrome (NULS). Also called: Leigh's necrotizing encephalopathy; Leigh's disease; Leigh Syndrome (mtDNA deletion); Leigh Disease; Subacute necrotizing encephalopathy; Necrotizing encephalopathy infantile subacute of Leigh. Identifiers: Orphanet 506, MedGen C2931891, MONDO:0009723, OMIM 256000.

Submission:

Wong Mito Lab, Molecular and Human Genetics, Baylor College of Medicine
Classification: Uncertain significance for Leigh syndrome. Last evaluated: 2019-10-17. Review status: criteria provided, single submitter. Criteria: Modified ACMG Guidelines (Unpublished). Collection method: clinical testing. Allele origin: germline.
Comment: The NC_012920.1:m.10785T>C (YP_003024035.1:p.Ile9Thr) variant in MTND4 gene is interpretated to be a Uncertain Significance variant based on the modified ACMG guidelines (unpublished). This variant meets the following evidence codes: PP6, PP7, BP4